The following is an entry in ClinVar:

ClinVar aggregate classification (germline): Uncertain significance (1 of 4 stars; one submission).

Conditions:
RASopathy. Also called: rasopathies; Noonan spectrum disorder. Identifiers: Orphanet 536391, MedGen C5555857, MONDO:0021060.

Submission:

Labcorp Genetics (formerly Invitae), Labcorp
Classification: Uncertain significance for RASopathy. Last evaluated: 2021-09-01. Review status: criteria provided, single submitter. Criteria: Invitae Variant Classification Sherloc (09022015). Collection method: clinical testing. Allele origin: germline.
Comment: Advanced modeling of protein sequence and biophysical properties (such as structural, functional, and spatial information, amino acid conservation, physicochemical variation, residue mobility, and thermodynamic stability) performed at Invitae indicates that this missense variant is not expected to disrupt CBL protein function. In summary, the available evidence is currently insufficient to determine the role of this variant in disease. Therefore, it has been classified as a Variant of Uncertain Significance. This variant has not been reported in the literature in individuals affected with CBL-related conditions. This variant is not present in population databases (ExAC no frequency). This sequence change replaces leucine with valine at codon 864 of the CBL protein (p.Leu864Val). The leucine residue is highly conserved and there is a small physicochemical difference between leucine and valine.

NM_005188.4(CBL):c.2590C>G (p.Leu864Val)

Gene: CBL (Cbl proto-oncogene; plus strand). Cytogenetic location: 11q23.3.
Variant type: single nucleotide variant.
Coding change: c.2590C>G on transcript NM_005188.4 (MANE Select); coding-DNA position 2590, C replaced by G.
Protein change: p.Leu864Val; replaces leucine 864 with valine.
Molecular consequence: missense variant.
Genome position (GRCh38, 1-based): chr11:119,299,650, C>G. VCF-style: chr11-119299650-C-G. GRCh37 (hg19) VCF-style: chr11-119170360-C-G.
Other names: short protein forms L864V.
Identifiers: ClinVar variation 1379139 (VCV001379139.6), dbSNP rs2135322234, ClinGen allele CA382932974.
Genomic context (GRCh38, chr11:119,299,650, plus strand): 5'-AGTGGTCCTGCCGCCTCTGCTGCCACCGCCTCACCTCAGCTCTCCAGTGAGATCGAGAAC[C>G]TCATGAGTCAGGGGTACTCCTACCAGGACATCCAGAAAGCTTTGGTCATTGCCCAGAACA-3'
Protein context (NP_005179.2, residues 854-874): SPQLSSEIEN[Leu864Val]MSQGYSYQDI